The following is an entry in ClinVar:

NM_001267550.2(TTN):c.17324A>C (p.Asn5775Thr)

Genes: TTN (titin; minus strand), LOC126806431 (CDK7 strongly-dependent group 2 enhancer GRCh37_chr2:179595719-179596918; plus strand). Cytogenetic location: 2q31.2.
Variant type: single nucleotide variant.
Coding change: c.17324A>C on transcript NM_001267550.2 (MANE Select); coding-DNA position 17324, A replaced by C.
Protein change: p.Asn5775Thr; replaces asparagine 5775 with threonine.
Molecular consequence: missense variant. On other transcripts: intron variant (3).
Genome position (GRCh38, 1-based): chr2:178,731,442, T>G on the plus strand (A>C on the coding strand, the complement: TTN is on the minus strand). VCF-style: chr2-178731442-T-G. GRCh37 (hg19) VCF-style: chr2-179596169-T-G.
Other names: c.16373A>C, p.Asn5458Thr (NM_001256850.1); c.13592A>C, p.Asn4531Thr (NM_133378.4); c.13282+6640A>C (NM_003319.4); c.13858+6640A>C (NM_133437.4); c.13657+6640A>C (NM_133432.3); short protein forms N4531T, N5458T, N5775T.
Identifiers: ClinVar variation 3392761 (VCV003392761.1).
Genomic context (GRCh38, chr2:178,731,442, plus strand): 5'-TTGACTTCAATGCCACTGAGGTACAAACTGGCCACATTGTTCTCAAAGGTCATTCTTATA[T>G]TATCGTCTTCAGTGATTTCATCGCTGTCTTTTAGCCAAGTCACCGTAATTGGCAAGGAGC-3'
Protein context (NP_001254479.2, residues 5765-5785): KDSDEITEDD[Asn5775Thr]IRMTFENNVA

ClinVar aggregate classification (germline): Uncertain significance (1 of 4 stars; one submission).

gnomAD v4.1: 3 of 1,613,776 alleles (0.00019%); highest among the groups gnomAD compares: South Asian, 0.0011%; no homozygotes.

Submission:

GeneDx
Classification: Uncertain significance. Last evaluated: 2024-06-24. Review status: criteria provided, single submitter. Criteria: GeneDx Variant Classification Process June 2021. Collection method: clinical testing. Allele origin: germline. Affected: yes.
Comment: Not observed at significant frequency in large population cohorts (gnomAD); Missense variant in a gene in which most reported pathogenic variants are truncating/loss of function; Has not been previously published as pathogenic or benign to our knowledge